The following is an entry in ClinVar:

NM_004260.4(RECQL4):c.1169T>C (p.Phe390Ser)

Gene: RECQL4 (RecQ like helicase 4; minus strand). Cytogenetic location: 8q24.3.
Variant type: single nucleotide variant.
Coding change: c.1169T>C on transcript NM_004260.4 (MANE Select); coding-DNA position 1169, T replaced by C.
Protein change: p.Phe390Ser; replaces phenylalanine 390 with serine.
Molecular consequence: missense variant.
Genome position (GRCh38, 1-based): chr8:144,515,853, A>G on the plus strand (T>C on the coding strand, the complement: RECQL4 is on the minus strand). VCF-style: chr8-144515853-A-G. GRCh37 (hg19) VCF-style: chr8-145741237-A-G.
Other names: short protein forms F390S.
Identifiers: ClinVar variation 1482141 (VCV001482141.6), dbSNP rs1586819715, ClinGen allele CA372687704.
Genomic context (GRCh38, chr8:144,515,853, plus strand): 5'-TCGAACTGCTCGTTCAGGAAACAAGACTCCTTGGTTGTGACTGTGGCACCACCACCCCCA[A>G]AACACTCCCCTTTCTTCCGCCACTTCTGCTTCCATGCCTGGGGGGTGCCCACATAGGAGG-3'
Protein context (NP_004251.4, residues 380-400): KQKWRKKGEC[Phe390Ser]GGGGATVTTK

ClinVar aggregate classification (germline): Uncertain significance (1 of 4 stars; one submission).

Conditions:
Baller-Gerold syndrome (BGS). Also called: CRANIOSYNOSTOSIS WITH RADIAL DEFECTS. Identifiers: Orphanet 1225, MedGen C0265308, MONDO:0009039, OMIM 218600.

Allele frequency attached by ClinVar (database versions not stated): gnomAD exomes 0.00001.
gnomAD v4.1: 3 of 1,612,950 alleles (0.00019%); highest among the groups gnomAD compares: Non-Finnish European, 0.00025%; no homozygotes.

Submission:

Labcorp Genetics (formerly Invitae), Labcorp
Classification: Uncertain significance for Baller-Gerold syndrome. Last evaluated: 2024-09-03. Review status: criteria provided, single submitter. Criteria: Invitae Variant Classification Sherloc (09022015). Collection method: clinical testing. Allele origin: germline.
Comment: This sequence change replaces phenylalanine, which is neutral and non-polar, with serine, which is neutral and polar, at codon 390 of the RECQL4 protein (p.Phe390Ser). This variant is not present in population databases (gnomAD no frequency). This variant has not been reported in the literature in individuals affected with RECQL4-related conditions. ClinVar contains an entry for this variant (Variation ID: 1482141). Invitae Evidence Modeling of protein sequence and biophysical properties (such as structural, functional, and spatial information, amino acid conservation, physicochemical variation, residue mobility, and thermodynamic stability) indicates that this missense variant is not expected to disrupt RECQL4 protein function with a negative predictive value of 80%. In summary, the available evidence is currently insufficient to determine the role of this variant in disease. Therefore, it has been classified as a Variant of Uncertain Significance.